The following is an entry in ClinVar:

ClinVar aggregate classification (germline): Uncertain significance. Review status: criteria provided, multiple submitters, no conflicts (2 of 4 stars). 3 submissions from 3 submitters: Uncertain significance (3). Last evaluated 2022-03-09.

Allele frequency attached by ClinVar (database versions not stated): gnomAD 0.00001; gnomAD exomes 0.00001; ExAC 0.00002; TOPMed 0.00002.
gnomAD v4.1: 11 of 1,613,684 alleles (0.00068%); highest among the groups gnomAD compares: Admixed American, 0.0033%; no homozygotes.

Submissions (3):

Blueprint Genetics
Classification: Uncertain significance. Last evaluated: 2022-03-09. Review status: criteria provided, single submitter. Criteria: ACMG Guidelines, 2015. Collection method: clinical testing. Allele origin: germline.

GeneDx
Classification: Uncertain significance. Last evaluated: 2022-03-09. Review status: criteria provided, single submitter. Criteria: GeneDx Variant Classification Process June 2021. Collection method: clinical testing. Allele origin: germline. Affected: yes.
Comment: In silico analysis supports that this missense variant has a deleterious effect on protein structure/function; Has not been previously published as pathogenic or benign to our knowledge

Revvity Omics, Revvity
Classification: Uncertain significance. Last evaluated: 2020-07-14. Review status: criteria provided, single submitter. Criteria: ACMG Guidelines, 2015. Collection method: clinical testing. Allele origin: germline.

NM_000260.4(MYO7A):c.1786G>A (p.Asp596Asn)

Gene: MYO7A (myosin VIIA; plus strand). Cytogenetic location: 11q13.5.
Variant type: single nucleotide variant.
Coding change: c.1786G>A on transcript NM_000260.4 (MANE Select); coding-DNA position 1786, G replaced by A.
Protein change: p.Asp596Asn; replaces aspartic acid 596 with asparagine.
Molecular consequence: missense variant.
Genome position (GRCh38, 1-based): chr11:77,166,151, G>A. VCF-style: chr11-77166151-G-A. GRCh37 (hg19) VCF-style: chr11-76877197-G-A.
Other names: c.1786G>A, p.Asp596Asn (NM_001127180.2); c.1753G>A, p.Asp585Asn (NM_001369365.1); short protein forms D585N, D596N.
Identifiers: ClinVar variation 1704897 (VCV001704897.5), dbSNP rs782749694, ClinGen allele CA6197588.